The following is an entry in ClinVar:

ClinVar aggregate classification (germline): Likely benign. Review status: criteria provided, multiple submitters, no conflicts (2 of 4 stars). 2 submissions from 2 submitters: Likely benign (2). Last evaluated 2026-09-01.

Conditions:
Dilated cardiomyopathy 1G (CMD1G). Identifiers: Orphanet 154, MedGen C1858763, MONDO:0011400, OMIM 604145.
Autosomal recessive limb-girdle muscular dystrophy type 2J (LGMDR10). Also called: MUSCULAR DYSTROPHY, LIMB-GIRDLE, AUTOSOMAL RECESSIVE 10; Limb-girdle muscular dystrophy, type 2J. Identifiers: Orphanet 140922, MedGen C1837342, MONDO:0012127, OMIM 608807.

gnomAD v4.1: 7 of 1,608,352 alleles (0.00044%); highest among the groups gnomAD compares: Admixed American, 0.01%; no homozygotes.

Submissions (2):

CeGaT Center for Human Genetics Tuebingen
Classification: Likely benign. Last evaluated: 2026-09-01. Review status: criteria provided, single submitter. Criteria: CeGaT Center For Human Genetics Tuebingen Variant Classification Criteria Version 2. Collection method: clinical testing. Allele origin: germline. Affected: yes. Observed: 1 variant allele.
Comment: TTN: BP4, BP7

Labcorp Genetics (formerly Invitae), Labcorp
Classification: Likely benign for Dilated cardiomyopathy 1G; Autosomal recessive limb-girdle muscular dystrophy type 2J. Last evaluated: 2025-03-29. Review status: criteria provided, single submitter. Criteria: Invitae Variant Classification Sherloc (09022015). Collection method: clinical testing. Allele origin: germline.

NM_001267550.2(TTN):c.24249C>A (p.Thr8083=)

Gene: TTN (titin; minus strand). Cytogenetic location: 2q31.2.
Variant type: single nucleotide variant.
Coding change: c.24249C>A on transcript NM_001267550.2 (MANE Select); coding-DNA position 24249, C replaced by A.
Protein change: p.Thr8083=; no amino-acid change (threonine 8083 retained).
Molecular consequence: synonymous variant. On other transcripts: intron variant (3).
Genome position (GRCh38, 1-based): chr2:178,718,951, G>T on the plus strand (C>A on the coding strand, the complement: TTN is on the minus strand). VCF-style: chr2-178718951-G-T. GRCh37 (hg19) VCF-style: chr2-179583678-G-T.
Other names: c.23298C>A, p.Thr7766= (NM_001256850.1); c.20517C>A, p.Thr6839= (NM_133378.4); c.13282+19131C>A (NM_003319.4); c.13858+19131C>A (NM_133437.4); c.13657+19131C>A (NM_133432.3).
Identifiers: ClinVar variation 2180226 (VCV002180226.5), dbSNP rs762269257, ClinGen allele CA430286766.